The following is an entry in ClinVar:

ClinVar aggregate classification (germline): Conflicting classifications of pathogenicity. Review status: criteria provided, conflicting classifications (1 of 4 stars). 4 submissions from 4 submitters: Uncertain significance (1); Likely benign (3). Last evaluated 2026-01-12.

Conditions:
Congenital stationary night blindness 1D. Also called: Night blindness, congenital stationary (complete), 1D, autosomal recessive. Identifiers: Orphanet 215, MedGen C3151193, MONDO:0013450, OMIM 613830.
SLC24A1-related disorder. Also called: SLC24A1-related condition.

Allele frequency attached by ClinVar (database versions not stated): ESP Exome Variant Server 0.00008; gnomAD 0.00014 and 0.00015; TOPMed 0.00019; gnomAD exomes 0.00026 and 0.00039; ExAC 0.00037; 1000 Genomes Project 0.00040; 1000 Genomes Project 30x 0.00062.
gnomAD v4.1: 414 of 1,614,010 alleles (0.026%); highest among the groups gnomAD compares: South Asian, 0.11%; 3 homozygotes.

Submissions (4):

Labcorp Genetics (formerly Invitae), Labcorp
Classification: Likely benign. Last evaluated: 2026-01-12. Review status: criteria provided, single submitter. Criteria: Invitae Variant Classification Sherloc (09022015). Collection method: clinical testing. Allele origin: germline.

PreventionGenetics, part of Exact Sciences
Classification: Likely benign for SLC24A1-related condition. Last evaluated: 2025-05-12. Review status: criteria provided, single submitter. Criteria: ACMG Guidelines, 2015. Collection method: clinical testing. Allele origin: germline.
Comment: This variant is classified as likely benign based on ACMG/AMP sequence variant interpretation guidelines (Richards et al. 2015 PMID: 25741868, with internal and published modifications).

Blueprint Genetics
Classification: Likely benign. Last evaluated: 2024-11-12. Review status: criteria provided, single submitter. Criteria: ACMG Guidelines, 2015. Collection method: clinical testing. Allele origin: germline.

Illumina Laboratory Services, Illumina
Classification: Uncertain significance for Congenital stationary night blindness 1D. Last evaluated: 2018-01-13. Review status: criteria provided, single submitter. Criteria: ICSL Variant Classification Criteria 13 December 2019. Collection method: clinical testing. Allele origin: germline.

NM_004727.3(SLC24A1):c.1542C>T (p.Ile514=)

Gene: SLC24A1 (solute carrier family 24 member 1; plus strand). Cytogenetic location: 15q22.31.
Variant type: single nucleotide variant.
Coding change: c.1542C>T on transcript NM_004727.3 (MANE Select); coding-DNA position 1542, C replaced by T.
Protein change: p.Ile514=; no amino-acid change (isoleucine 514 retained).
Molecular consequence: synonymous variant.
Genome position (GRCh38, 1-based): chr15:65,625,622, C>T. VCF-style: chr15-65625622-C-T. GRCh37 (hg19) VCF-style: chr15-65917960-C-T.
Other names: c.1542C>T, p.Ile514= (NM_001301031.1, NM_001301032.1, NM_001301033.2).
Identifiers: ClinVar variation 886463 (VCV000886463.14), dbSNP rs372658740, ClinGen allele CA7619930.
Genomic context (GRCh38, chr15:65,625,622, plus strand): 5'-GGCAGGCGCCACATTCATGGCTGCTGGAGGCTCTGCTCCTGAGCTCTTCACCTCCCTCAT[C>T]GGTGTCTTCATTTCCCACAGCAACGTGGGCATTGGTACCATTGTGGGCTCTGCTGTGTTC-3'
Protein context (NP_004718.1, residues 504-524): GSAPELFTSL[Ile514=]GVFISHSNVG